The following is an entry in ClinVar:

ClinVar aggregate classification (germline): Benign (1 of 4 stars; one submission).

Allele frequency attached by ClinVar (database versions not stated): 1000 Genomes Project 0.01737; gnomAD 0.01868 and 0.02008; 1000 Genomes Project 30x 0.01936; TOPMed 0.02136.
gnomAD v4.1: 2,807 of 151,922 alleles (1.8%); highest among the groups gnomAD compares: African/African-American, 6.2%; 81 homozygotes.

Submission:

GeneDx
Classification: Benign. Last evaluated: 2018-06-14. Review status: criteria provided, single submitter. Criteria: GeneDx Variant Classification (06012015). Collection method: clinical testing. Allele origin: germline. Affected: yes.
Comment: This variant is considered likely benign or benign based on one or more of the following criteria: it is a conservative change, it occurs at a poorly conserved position in the protein, it is predicted to be benign by multiple in silico algorithms, and/or has population frequency not consistent with disease.

NM_001040142.2(SCN2A):c.4308+205A>G

Gene: SCN2A (sodium voltage-gated channel alpha subunit 2; plus strand). Cytogenetic location: 2q24.3.
Variant type: single nucleotide variant.
Coding change: c.4308+205A>G on transcript NM_001040142.2 (MANE Select); 205 bases into the intron after coding-DNA position 4308, A replaced by G.
Molecular consequence: intron variant.
Genome position (GRCh38, 1-based): chr2:165,377,855, A>G. VCF-style: chr2-165377855-A-G. GRCh37 (hg19) VCF-style: chr2-166234365-A-G.
Other names: c.4308+205A>G (NM_001040143.2, NM_001371246.1, NM_001371247.1 and 1 more transcripts).
Identifiers: ClinVar variation 673991 (VCV000673991.1), dbSNP rs113651098, ClinGen allele CA59744127.